The following is an entry in ClinVar:

ClinVar aggregate classification (germline): Uncertain significance. Review status: criteria provided, multiple submitters, no conflicts (2 of 4 stars). 2 submissions from 2 submitters: Uncertain significance (2). Last evaluated 2024-12-28.

Conditions:
Inborn genetic diseases. Identifiers: MedGen C0950123, MeSH D030342.

Allele frequency attached by ClinVar (database versions not stated): ExAC 0.00002; gnomAD 0.00002; gnomAD exomes 0.00001; TOPMed 0.00003.
gnomAD v4.1: 17 of 1,613,776 alleles (0.0011%); highest among the groups gnomAD compares: African/African-American, 0.0053%; no homozygotes.

Submissions (2):

Ambry Genetics
Classification: Uncertain significance for Inborn genetic diseases. Last evaluated: 2024-12-28. Review status: criteria provided, single submitter. Criteria: Ambry Variant Classification Scheme 2023. Collection method: clinical testing. Allele origin: germline.

Labcorp Genetics (formerly Invitae), Labcorp
Classification: Uncertain significance. Last evaluated: 2022-06-13. Review status: criteria provided, single submitter. Criteria: Invitae Variant Classification Sherloc (09022015). Collection method: clinical testing. Allele origin: germline.
Comment: This sequence change replaces tyrosine, which is neutral and polar, with cysteine, which is neutral and slightly polar, at codon 3007 of the PCLO protein (p.Tyr3007Cys). This variant is present in population databases (rs748771432, gnomAD 0.007%). This variant has not been reported in the literature in individuals affected with PCLO-related conditions. Algorithms developed to predict the effect of missense changes on protein structure and function are either unavailable or do not agree on the potential impact of this missense change (SIFT: "Deleterious"; PolyPhen-2: "Not Available"; Align-GVGD: "Class C0"). In summary, the available evidence is currently insufficient to determine the role of this variant in disease. Therefore, it has been classified as a Variant of Uncertain Significance.

NM_033026.6(PCLO):c.9020A>G (p.Tyr3007Cys)

Gene: PCLO (piccolo presynaptic cytomatrix protein; minus strand). Cytogenetic location: 7q21.11.
Variant type: single nucleotide variant.
Coding change: c.9020A>G on transcript NM_033026.6 (MANE Select); coding-DNA position 9020, A replaced by G.
Protein change: p.Tyr3007Cys; replaces tyrosine 3007 with cysteine.
Molecular consequence: missense variant.
Genome position (GRCh38, 1-based): chr7:82,951,933, T>C on the plus strand (A>G on the coding strand, the complement: PCLO is on the minus strand). VCF-style: chr7-82951933-T-C. GRCh37 (hg19) VCF-style: chr7-82581249-T-C.
Other names: c.9020A>G, p.Tyr3007Cys (NM_014510.3); c.9020A>G (NM_033026.5); short protein forms Y3007C.
Identifiers: ClinVar variation 1387523 (VCV001387523.4), dbSNP rs748771432, ClinGen allele CA4320011.